The following is an entry in ClinVar:

ClinVar aggregate classification (germline): Uncertain significance. Review status: criteria provided, multiple submitters, no conflicts (2 of 4 stars). 2 submissions from 2 submitters: Uncertain significance (2). Last evaluated 2025-11-23.

Conditions:
Inborn genetic diseases. Identifiers: MedGen C0950123, MeSH D030342.

gnomAD v4.1: 67 of 1,613,878 alleles (0.0042%); highest among the groups gnomAD compares: African/African-American, 0.024%; no homozygotes.

Submissions (2):

Ambry Genetics
Classification: Uncertain significance for Inborn genetic diseases. Last evaluated: 2025-11-23. Review status: criteria provided, single submitter. Criteria: Ambry Variant Classification Scheme 2023. Collection method: clinical testing. Allele origin: germline.

GeneDx
Classification: Uncertain significance. Last evaluated: 2024-01-09. Review status: criteria provided, single submitter. Criteria: GeneDx Variant Classification Process June 2021. Collection method: clinical testing. Allele origin: germline. Affected: yes.
Comment: In silico analysis supports that this missense variant has a deleterious effect on protein structure/function; Has not been previously published as pathogenic or benign to our knowledge

NM_005559.4(LAMA1):c.3917C>T (p.Thr1306Met)

Gene: LAMA1 (laminin subunit alpha 1; minus strand). Cytogenetic location: 18p11.31.
Variant type: single nucleotide variant.
Coding change: c.3917C>T on transcript NM_005559.4 (MANE Select); coding-DNA position 3917, C replaced by T.
Protein change: p.Thr1306Met; replaces threonine 1306 with methionine.
Molecular consequence: missense variant.
Genome position (GRCh38, 1-based): chr18:7,009,323, G>A on the plus strand (C>T on the coding strand, the complement: LAMA1 is on the minus strand). VCF-style: chr18-7009323-G-A. GRCh37 (hg19) VCF-style: chr18-7009322-G-A.
Other names: short protein forms T1306M.
Identifiers: ClinVar variation 3367326 (VCV003367326.2).